The following is an entry in ClinVar:

ClinVar aggregate classification (germline): Likely benign. Review status: criteria provided, multiple submitters, no conflicts (2 of 4 stars). 4 submissions from 4 submitters: Likely benign (4). Last evaluated 2026-03-30.

Conditions:
IKZF1-related disorder. Also called: IKZF1-related condition.
Pancytopenia due to IKZF1 mutations. Also called: Immunodeficiency, common variable, 13. Identifiers: Orphanet 317473, MedGen C4225173, MONDO:0014810, OMIM 616873.

gnomAD v4.1: 202 of 703,182 alleles (0.029%); highest among the groups gnomAD compares: Non-Finnish European, 0.046%; no homozygotes.

Submissions (4):

PreventionGenetics, part of Exact Sciences
Classification: Likely benign for IKZF1-related condition. Last evaluated: 2026-03-30. Review status: criteria provided, single submitter. Criteria: ACMG Guidelines, 2015. Collection method: clinical testing. Allele origin: germline.
Comment: This variant is classified as likely benign based on ACMG/AMP sequence variant interpretation guidelines (Richards et al. 2015 PMID: 25741868, with internal and published modifications).

Blueprint Genetics
Classification: Likely benign. Last evaluated: 2024-11-27. Review status: criteria provided, single submitter. Criteria: ACMG Guidelines, 2015. Collection method: clinical testing. Allele origin: germline.

ARUP Laboratories, Molecular Genetics and Genomics, ARUP Laboratories
Classification: Likely benign for Pancytopenia due to IKZF1 mutations. Last evaluated: 2024-07-10. Review status: criteria provided, single submitter. Criteria: ARUP Molecular Germline Variant Investigation Process 2024. Collection method: clinical testing. Allele origin: germline.

CeGaT Center for Human Genetics Tuebingen
Classification: Likely benign. Last evaluated: 2024-07-01. Review status: criteria provided, single submitter. Criteria: CeGaT Center For Human Genetics Tuebingen Variant Classification Criteria Version 2. Collection method: clinical testing. Allele origin: germline. Affected: yes. Observed: 1 variant allele.
Comment: IKZF1: BP4

NM_006060.6(IKZF1):c.161-8350A>C

Gene: IKZF1 (IKAROS family zinc finger 1; plus strand). Cytogenetic location: 7p12.2.
Variant type: single nucleotide variant.
Coding change: c.161-8350A>C on transcript NM_006060.6 (MANE Select); 8350 bases into the intron before coding-DNA position 161, A replaced by C.
Molecular consequence: intron variant. On other transcripts: missense variant (1).
Genome position (GRCh38, 1-based): chr7:50,368,183, A>C. VCF-style: chr7-50368183-A-C. GRCh37 (hg19) VCF-style: chr7-50435881-A-C.
Other names: c.338A>C, p.Tyr113Ser (NM_001291845.2); c.220+118A>C (NM_001410879.1, NM_001291846.2, NM_001291847.2); c.161-14357A>C (NM_001291839.2, NM_001291838.2, NM_001220767.2 and 1 more transcripts); c.161-8350A>C (NM_001220765.3, NM_001291837.2, NM_001220768.2 and 1 more transcripts); c.161-19162A>C (NM_001291841.1, NM_001291842.1); c.161-23546A>C (NM_001291843.1, NM_001291844.1); c.161-31735A>C (NM_001291840.1); c.338A>C (NM_001291845.1); short protein forms Y113S.
Identifiers: ClinVar variation 3257651 (VCV003257651.20).
Genomic context (GRCh38, chr7:50,368,183, plus strand): 5'-AATATCGTACGTGCATGTTCCTTCATCAACCCCCGAGATACATTAAATATTCACTGTTCT[A>C]TTCGTTAGACACCTACCATATCATTTTTGGGTATTTATACCATAAAGTGCAAAACGAAGG-3'